The following is an entry in ClinVar:

NM_000021.4(PSEN1):c.*4147T>G

Gene: PSEN1 (presenilin 1; plus strand). Cytogenetic location: 14q24.2.
Variant type: single nucleotide variant.
Coding change: c.*4147T>G on transcript NM_000021.4 (MANE Select); 4147 bases downstream of the stop codon, T replaced by G.
Molecular consequence: 3 prime UTR variant.
Genome position (GRCh38, 1-based): chr14:73,223,436, T>G. VCF-style: chr14-73223436-T-G. GRCh37 (hg19) VCF-style: chr14-73690144-T-G.
Other names: c.*4147T>G (NM_007318.3).
Identifiers: ClinVar variation 314008 (VCV000314008.5), dbSNP rs362396, ClinGen allele CA10640782.
Genomic context (GRCh38, chr14:73,223,436, plus strand): 5'-AGAAAGCAATTTTCCTTTTGAAATACGTAATTGTTGAGACTAGGCAGTTTCAAAGTCAGC[T>G]GCATATAGTAGCAAGTACAGGACTGTCTTGTTTTTGGTGTCCTTGGAGGTGCTGGGGTGA-3'

ClinVar aggregate classification (germline): Benign/Likely benign. Review status: criteria provided, single submitter (1 of 4 stars). 2 submissions from 1 submitter: Benign (1); Likely benign (1). Last evaluated 2018-01-13.

Conditions:
Dilated cardiomyopathy 1U. Identifiers: Orphanet 154, MedGen C3160720, MONDO:0013371, OMIM 613694.
Alzheimer disease 3 (AD3). Also called: ALZHEIMER DISEASE, FAMILIAL, 3. Identifiers: Orphanet 1020, MedGen C1843013, MONDO:0011913, OMIM 607822.

Allele frequency attached by ClinVar (database versions not stated): gnomAD 0.01523 and 0.01629; TOPMed 0.01750; 1000 Genomes Project 0.03275; 1000 Genomes Project 30x 0.03279.

Submissions (2):

Illumina Laboratory Services, Illumina
Classification: Likely benign for Dilated cardiomyopathy 1U. Last evaluated: 2018-01-13. Review status: criteria provided, single submitter. Criteria: ICSL Variant Classification Criteria 13 December 2019. Collection method: clinical testing. Allele origin: germline.
Comment: This variant was observed in the ICSL laboratory as part of a predisposition screen in an ostensibly healthy population. It had not been previously curated by ICSL or reported in the Human Gene Mutation Database (HGMD: prior to June 1st, 2018), and was therefore a candidate for classification through an automated scoring system. Utilizing variant allele frequency, disease prevalence and penetrance estimates, and inheritance mode, an automated score was calculated to assess if this variant is too frequent to cause the disease. Based on the score and internal cut-off values, a variant classified as likely benign is not then subjected to further curation. The score for this variant resulted in a classification of likely benign for this disease.

Illumina Laboratory Services, Illumina
Classification: Benign for Alzheimer disease 3. Last evaluated: 2018-01-13. Review status: criteria provided, single submitter. Criteria: ICSL Variant Classification Criteria 13 December 2019. Collection method: clinical testing. Allele origin: germline.
Comment: This variant was observed in the ICSL laboratory as part of a predisposition screen in an ostensibly healthy population. It had not been previously curated by ICSL or reported in the Human Gene Mutation Database (HGMD: prior to June 1st, 2018), and was therefore a candidate for classification through an automated scoring system. Utilizing variant allele frequency, disease prevalence and penetrance estimates, and inheritance mode, an automated score was calculated to assess if this variant is too frequent to cause the disease. Based on the score and internal cut-off values, a variant classified as benign is not then subjected to further curation. The score for this variant resulted in a classification of benign for this disease.